The following is an entry in ClinVar:

NM_001082486.2(ACD):c.839C>G (p.Ala280Gly)

Gene: ACD (ACD shelterin complex subunit and telomerase recruitment factor; minus strand). Cytogenetic location: 16q22.1.
Variant type: single nucleotide variant.
Coding change: c.839C>G on transcript NM_001082486.2 (MANE Select); coding-DNA position 839, C replaced by G.
Protein change: p.Ala280Gly; replaces alanine 280 with glycine.
Molecular consequence: missense variant.
Genome position (GRCh38, 1-based): chr16:67,658,353, G>C on the plus strand (C>G on the coding strand, the complement: ACD is on the minus strand). VCF-style: chr16-67658353-G-C. GRCh37 (hg19) VCF-style: chr16-67692256-G-C.
Other names: c.830C>G, p.Ala277Gly (NM_022914.3); short protein forms A277G, A280G.
Identifiers: ClinVar variation 1026529 (VCV001026529.12), dbSNP rs779705657, ClinGen allele CA8114495.
Genomic context (GRCh38, chr16:67,658,353, plus strand): 5'-AGGGCAGGCAGAAGGCTGATGCTGGTACCACTTTCCTCGGATGACATGTGGCCGGGTAAG[G>C]CCGGGGTTCCTGAGGAGGAGGGGACTTATTGTAGGCACAGCCCTCTCCGCTCAGGGCAGC-3'
Protein context (NP_001075955.2, residues 270-290): PSSPSSSGTP[Ala280Gly]LPGHMSSEES

ClinVar aggregate classification (germline): Uncertain significance. Review status: criteria provided, multiple submitters, no conflicts (2 of 4 stars). 3 submissions from 3 submitters: Uncertain significance (3). Last evaluated 2025-12-16.

Conditions:
Inborn genetic diseases. Identifiers: MedGen C0950123, MeSH D030342.
Dyskeratosis congenita, autosomal dominant 6 (DKCA6). Identifiers: Orphanet 3322, MedGen C4225284, MONDO:0014690, OMIM 616553.

Allele frequency attached by ClinVar (database versions not stated): TOPMed 0.00003; gnomAD exomes 0.00004 and 0.00003; gnomAD 0.00001; ExAC 0.00002.
gnomAD v4.1: 16 of 1,613,596 alleles (0.00099%); highest among the groups gnomAD compares: Admixed American, 0.027%; no homozygotes.

Submissions (3):

Labcorp Genetics (formerly Invitae), Labcorp
Classification: Uncertain significance for Dyskeratosis congenita, autosomal dominant 6. Last evaluated: 2025-12-16. Review status: criteria provided, single submitter. Criteria: Invitae Variant Classification Sherloc (09022015). Collection method: clinical testing. Allele origin: germline.
Comment: This sequence change replaces alanine, which is neutral and non-polar, with glycine, which is neutral and non-polar, at codon 366 of the ACD protein (p.Ala366Gly). This variant is present in population databases (rs779705657, gnomAD 0.02%). This variant has not been reported in the literature in individuals affected with ACD-related conditions. ClinVar contains an entry for this variant (Variation ID: 1026529). Invitae Evidence Modeling of protein sequence and biophysical properties (such as structural, functional, and spatial information, amino acid conservation, physicochemical variation, residue mobility, and thermodynamic stability) indicates that this missense variant is not expected to disrupt ACD protein function with a negative predictive value of 80%. In summary, the available evidence is currently insufficient to determine the role of this variant in disease. Therefore, it has been classified as a Variant of Uncertain Significance.

Ambry Genetics
Classification: Uncertain significance for Inborn genetic diseases. Last evaluated: 2025-05-04. Review status: criteria provided, single submitter. Criteria: Ambry Variant Classification Scheme 2023. Collection method: clinical testing. Allele origin: germline.

GeneDx
Classification: Uncertain significance. Last evaluated: 2024-02-12. Review status: criteria provided, single submitter. Criteria: GeneDx Variant Classification Process June 2021. Collection method: clinical testing. Allele origin: germline. Affected: yes.
Comment: In silico analysis supports that this missense variant does not alter protein structure/function; Has not been previously published as pathogenic or benign to our knowledge; Variants in candidate genes are classified as variants of uncertain significance in accordance with ACMG guidelines (PMID: 25741868)